The following is an entry in ClinVar:

NM_001025356.3(ANO6):c.1880+3G>C

Gene: ANO6 (anoctamin 6; plus strand). Cytogenetic location: 12q12.
Variant type: single nucleotide variant.
Coding change: c.1880+3G>C on transcript NM_001025356.3 (MANE Select); 3 bases into the intron after coding-DNA position 1880, G replaced by C.
Molecular consequence: intron variant.
Genome position (GRCh38, 1-based): chr12:45,403,539, G>C. VCF-style: chr12-45403539-G-C. GRCh37 (hg19) VCF-style: chr12-45797322-G-C.
Other names: NC_000012.11:g.45797322G>C; c.1880+3G>C (NM_001142679.2); c.1943+3G>C (NM_001204803.2); c.1847+3G>C (NM_001410973.1); c.1826+3G>C (NM_001142678.2).
Identifiers: ClinVar variation 3068917 (VCV003068917.3), dbSNP rs1461988954, ClinGen allele CA947192627.
Genomic context (GRCh38, chr12:45,403,539, plus strand): 5'-TGACAATAATCATGGGAGGAAAAGCAATCTGGAATAACATACAAGAAGTATTATTGCCGT[G>C]AGTGTTAAATTGTATAGCCATGGGTAAAAGGACAAGGGATAGAACAGCCCATCCACACAA-3'

ClinVar aggregate classification (germline): Uncertain significance (1 of 4 stars; one submission).

Allele frequency attached by ClinVar (database versions not stated): TOPMed 0.00002.
gnomAD v4.1: 3 of 1,606,466 alleles (0.00019%); highest among the groups gnomAD compares: African/African-American, 0.0013%; no homozygotes.

Submissions (2):

Women's Health and Genetics/Laboratory Corporation of America, LabCorp
Classification: Uncertain significance. Last evaluated: 2024-02-21. Review status: criteria provided, single submitter. Criteria: LabCorp Variant Classification Summary - May 2015. Collection method: clinical testing. Allele origin: germline.
Comment: Variant summary: ANO6 c.1880+3G>C alters a conserved nucleotide located close to a canonical splice site and therefore could affect mRNA splicing, leading to a significantly altered protein sequence. Several computational tools predict a significant impact on normal splicing: three predict the variant abolishes a 5' splicing donor site, while one predict the variant weakens a 5' donor site. However, these predictions have yet to be confirmed by functional studies. The variant allele was found at a frequency of 2.1e-06 in 1448394 control chromosomes (gnomAD v4.0). The available data on variant occurrences in the general population are insufficient to allow any conclusion about variant significance. To our knowledge, no occurrence of c.1880+3G>C in individuals affected with Scott syndrome and no experimental evidence demonstrating its impact on protein function have been reported. No submitters have cited clinical-significance assessments for this variant to ClinVar. Based on the evidence outlined above, the variant was classified as uncertain significance.

Dr. Peter K. Rogan Lab, Western University
No classification provided (evidence only). Condition: Familial cancer of breast. Review status: no classification provided. Collection method: in vitro. Allele origin: not applicable. Functional consequence: retained intron. Not counted in ClinVar's aggregate classification.